The following is an entry in ClinVar:

NM_138694.4(PKHD1):c.8519G>A (p.Arg2840His)

Gene: PKHD1 (PKHD1 ciliary IPT domain containing fibrocystin/polyductin; minus strand). Cytogenetic location: 6p12.3.
Variant type: single nucleotide variant.
Coding change: c.8519G>A on transcript NM_138694.4 (MANE Select); coding-DNA position 8519, G replaced by A.
Protein change: p.Arg2840His; replaces arginine 2840 with histidine.
Molecular consequence: missense variant.
Genome position (GRCh38, 1-based): chr6:51,775,843, C>T on the plus strand (G>A on the coding strand, the complement: PKHD1 is on the minus strand). VCF-style: chr6-51775843-C-T. GRCh37 (hg19) VCF-style: chr6-51640641-C-T.
Other names: c.8519G>A, p.Arg2840His (NM_170724.3); c.8519G>A (NM_138694.3); short protein forms R2840H.
Identifiers: ClinVar variation 1255561 (VCV001255561.7), dbSNP rs373643848, ClinGen allele CA3851605.

ClinVar aggregate classification (germline): Uncertain significance. Review status: criteria provided, multiple submitters, no conflicts (2 of 4 stars). 4 submissions from 4 submitters: Uncertain significance (3). 1 of the submissions does not count toward it. Last evaluated 2025-05-20.

Conditions:
PKHD1-related disorder. Also called: PKHD1-related condition.
Autosomal dominant polycystic kidney disease. Identifiers: Orphanet 730, MedGen C0085413, MONDO:0004691.
Autosomal recessive polycystic kidney disease (ARPKD). Also called: AR polycystic kidney disease. Identifiers: Orphanet 731, Orphanet 8378, MedGen C0085548, MeSH D017044, MONDO:0009889.
Polycystic kidney disease 4 (PKD4). Also called: PKD3; Autosomal Recessive Polycystic Kidney Disease – PKHD1; POLYCYSTIC KIDNEY AND HEPATIC DISEASE 1; POLYCYSTIC KIDNEY DISEASE, INFANTILE, TYPE I; POLYCYSTIC KIDNEY DISEASE 4 WITH OR WITHOUT POLYCYSTIC LIVER DISEASE. Identifiers: MedGen C4540575, MONDO:0033004, OMIM 263200.

Allele frequency attached by ClinVar (database versions not stated): ExAC 0.00004; gnomAD exomes 0.00005; TOPMed 0.00005; gnomAD 0.00007 and 0.00008; ESP Exome Variant Server 0.00008.
gnomAD v4.1: 89 of 1,586,320 alleles (0.0056%); highest among the groups gnomAD compares: Middle Eastern, 0.066%; no homozygotes.

Submissions (4):

PreventionGenetics, part of Exact Sciences
Classification: Uncertain significance for PKHD1-related condition. Last evaluated: 2025-05-20. Review status: criteria provided, single submitter. Criteria: ACMG Guidelines, 2015. Collection method: clinical testing. Allele origin: germline.
Comment: The PKHD1 c.8519G>A variant is predicted to result in the amino acid substitution p.Arg2840His. To our knowledge, this variant has not been reported in the literature. An alternate missense change at the same amino acid position (p.Arg2840Cys) has been reported in an individual with congenital hepatic fibrosis (Yang et al. 2019. PubMed ID: 30507656) and in individuals with autosomal recessive polycystic kidney disease (Sharp et al. 2005. PubMed ID: 15805161; Denamur et al. 2010. PubMed ID: 19940839; Bergmann et al. 2005. PubMed ID: 15698423; Losekoot et al. 2005. PubMed ID: 16133180). In all cases the p.Arg2840Cys variant was found to be in trans with a second variant. This variant is reported in 0.025% of alleles in individuals of East Asian descent in gnomAD. At this time, the clinical significance of this variant is uncertain due to the absence of conclusive functional and genetic evidence.

Fulgent Genetics
Classification: Uncertain significance for Polycystic kidney disease 4. Last evaluated: 2024-05-21. Review status: criteria provided, single submitter. Criteria: ACMG Guidelines, 2015. Collection method: clinical testing. Allele origin: germline.

Labcorp Genetics (formerly Invitae), Labcorp
Classification: Uncertain significance for Autosomal recessive polycystic kidney disease. Last evaluated: 2022-08-15. Review status: criteria provided, single submitter. Criteria: Invitae Variant Classification Sherloc (09022015). Collection method: clinical testing. Allele origin: germline.
Comment: This sequence change replaces arginine, which is basic and polar, with histidine, which is basic and polar, at codon 2840 of the PKHD1 protein (p.Arg2840His). This variant is present in population databases (rs373643848, gnomAD 0.03%). This variant has not been reported in the literature in individuals affected with PKHD1-related conditions. ClinVar contains an entry for this variant (Variation ID: 1255561). Advanced modeling of protein sequence and biophysical properties (such as structural, functional, and spatial information, amino acid conservation, physicochemical variation, residue mobility, and thermodynamic stability) performed at Invitae indicates that this missense variant is not expected to disrupt PKHD1 protein function. This variant disrupts the p.Arg2840 amino acid residue in PKHD1. Other variant(s) that disrupt this residue have been determined to be pathogenic (PMID: 15805161, 30507656). This suggests that this residue is clinically significant, and that variants that disrupt this residue are likely to be disease-causing. In summary, the available evidence is currently insufficient to determine the role of this variant in disease. Therefore, it has been classified as a Variant of Uncertain Significance.

Laboratory of Gastroenterology and Hepatology, Radboud University Medical Center
Classification: Likely benign for Autosomal dominant polycystic kidney disease. Last evaluated: 2021-09-01. Review status: no assertion criteria provided. Collection method: research. Allele origin: germline. Affected: yes. Not counted in ClinVar's aggregate classification.

Literature cited by the submitters: PubMed 15805161 (cited by Labcorp Genetics (formerly Invitae), Labcorp); PubMed 30507656 (cited by Labcorp Genetics (formerly Invitae), Labcorp).